The following is an entry in ClinVar:

ClinVar aggregate classification (germline): Benign/Likely benign. Review status: criteria provided, multiple submitters, no conflicts (2 of 4 stars). 19 submissions from 19 submitters: Benign (6); Likely benign (9). 4 of the submissions do not count toward it. Last evaluated 2026-08-01.

Conditions:
Hereditary cancer-predisposing syndrome. Also called: Neoplastic Syndromes, Hereditary; Tumor predisposition; Hereditary Cancer Syndrome; Hereditary neoplastic syndrome. Identifiers: Orphanet 140162, MedGen C0027672, MeSH D009386, MONDO:0015356.
POLD1-related polyposis and colorectal cancer syndrome (CRCS10). Also called: Colorectal cancer 10; COLORECTAL CANCER, SUSCEPTIBILITY TO, ON CHROMOSOME 19q; Colorectal cancer, susceptibility to, 10. Identifiers: Orphanet 220460, MedGen C2675481, MONDO:0012953, OMIM 612591.
Carcinoma of colon (CRC). Also called: Colonic carcinoma; Colon carcinoma. Identifiers: MedGen C0699790, MONDO:0002032.

Allele frequency attached by ClinVar (database versions not stated): 1000 Genomes Project 30x 0.00109; 1000 Genomes Project 0.00140; TOPMed 0.00144; ESP Exome Variant Server 0.00146; ExAC 0.00162; gnomAD exomes 0.00173 and 0.00196; gnomAD 0.00178 and 0.00188.
gnomAD v4.1: 3,178 of 1,613,886 alleles (0.2%); highest among the groups gnomAD compares: Non-Finnish European, 0.21%; 5 homozygotes.

Submissions (19):

CeGaT Center for Human Genetics Tuebingen
Classification: Likely benign. Last evaluated: 2026-08-01. Review status: criteria provided, single submitter. Criteria: CeGaT Center For Human Genetics Tuebingen Variant Classification Criteria Version 2. Collection method: clinical testing. Allele origin: germline. Affected: yes. Observed: 20 variant alleles.
Comment: POLD1: BP4, BP7

Labcorp Genetics (formerly Invitae), Labcorp
Classification: Benign for POLD1-related polyposis and colorectal cancer syndrome. Last evaluated: 2026-02-03. Review status: criteria provided, single submitter. Criteria: Invitae Variant Classification Sherloc (09022015). Collection method: clinical testing. Allele origin: germline.

Center for Genomic Medicine, Rigshospitalet, Copenhagen University Hospital
Classification: Likely benign. Last evaluated: 2025-03-04. Review status: criteria provided, single submitter. Criteria: ACMG Guidelines, 2015. Collection method: clinical testing. Allele origin: germline.

Institute for Biomarker Research, Medical Diagnostic Laboratories, L.L.C.
Classification: Benign for Hereditary cancer-predisposing syndrome. Last evaluated: 2025-01-20. Review status: criteria provided, single submitter. Criteria: ACMG Guidelines, 2015. Collection method: clinical testing. Allele origin: germline.
Comment: The synonymous variant NM_001308632.1(POLD1):c.378C>T (p.Arg126=) has been reported to ClinVar as Benign/Likely benign with a status of (2 stars) criteria provided, multiple submitters, no conflicts (Variation ID 221130 as of 2025-01-02). The p.Arg126= variant is observed in 7/5,008 (0.1398%) alleles from individuals of 1kG All background in 1kG, which is greater than expected for the disorder. The p.Arg126= variant is not predicted to disrupt an existing splice site. The p.Arg126= variant results in a substitution of a base that is not predicted conserved by GERP++ and PhyloP. For these reasons, this variant has been classified as Benign

Mayo Clinic Laboratories, Mayo Clinic
Classification: Likely benign. Last evaluated: 2024-12-30. Review status: criteria provided, single submitter. Criteria: ACMG Guidelines, 2015. Collection method: clinical testing. Allele origin: germline. Observed: 3 variant alleles.
Comment: BS1, BP4, BP7

Blueprint Genetics
Classification: Likely benign. Last evaluated: 2024-11-06. Review status: criteria provided, single submitter. Criteria: ACMG Guidelines, 2015. Collection method: clinical testing. Allele origin: germline.

ARUP Laboratories, Molecular Genetics and Genomics, ARUP Laboratories
Classification: Likely benign. Last evaluated: 2023-11-29. Review status: criteria provided, single submitter. Criteria: ARUP Molecular Germline Variant Investigation Process 2024. Collection method: clinical testing. Allele origin: germline.

KCCC/NGS Laboratory, Kuwait Cancer Control Center
Classification: Benign for POLD1-related polyposis and colorectal cancer syndrome. Last evaluated: 2023-07-07. Review status: criteria provided, single submitter. Criteria: ACMG Guidelines, 2015. Collection method: clinical testing. Allele origin: germline. Affected: yes.

GeneDx
Classification: Likely benign. Last evaluated: 2021-06-02. Review status: criteria provided, single submitter. Criteria: GeneDx Variant Classification Process June 2021. Collection method: clinical testing. Allele origin: germline. Affected: yes.

Sema4
Classification: Likely benign for Hereditary cancer-predisposing syndrome. Last evaluated: 2021-05-07. Review status: criteria provided, single submitter. Criteria: Sema4 Curation Guidelines. Collection method: curation. Allele origin: germline.

Women's Health and Genetics/Laboratory Corporation of America, LabCorp
Classification: Benign. Last evaluated: 2018-04-23. Review status: criteria provided, single submitter. Criteria: LabCorp Variant Classification Summary - May 2015. Collection method: clinical testing. Allele origin: germline.
Comment: Variant summary: POLD1 c.378C>T alters a non-conserved nucleotide resulting in a synonymous change. 5/5 computational tools predict no significant impact on normal splicing. However, these predictions have yet to be confirmed by functional studies. The variant allele was found at a frequency of 0.0017 in 276646 control chromosomes in the gnomAD database, including 2 homozygotes. The observed variant frequency is approximately 119 fold above the estimated maximal expected allele frequency for a pathogenic variant in POLD1 causing Colorectal Cancer phenotype (1.4e-05), strongly suggesting that the variant is benign. Five clinical diagnostic laboratories have submitted clinical-significance assessments for this variant to ClinVar after 2014 without evidence for independent evaluation. All laboratories classified the variant as benign/likely benign. Based on the evidence outlined above, the variant was classified as benign.

Quest Diagnostics Nichols Institute San Juan Capistrano
Classification: Benign. Last evaluated: 2017-06-06. Review status: criteria provided, single submitter. Criteria: Quest Diagnostics criteria. Collection method: clinical testing. Allele origin: unknown.

PreventionGenetics, part of Exact Sciences
Classification: Benign. Last evaluated: 2017-06-02. Review status: criteria provided, single submitter. Criteria: ACMG Guidelines, 2015. Collection method: clinical testing. Allele origin: germline.

Genetic Services Laboratory, University of Chicago
Classification: Likely benign. Last evaluated: 2016-07-26. Review status: criteria provided, single submitter. Criteria: ACMG Guidelines, 2015. Collection method: clinical testing. Allele origin: germline. Affected: no.

Ambry Genetics
Classification: Likely benign for Hereditary cancer-predisposing syndrome. Last evaluated: 2015-07-16. Review status: criteria provided, single submitter. Criteria: Ambry Variant Classification Scheme 2023. Collection method: clinical testing. Allele origin: germline.

True Health Diagnostics
Classification: Likely benign for Hereditary cancer-predisposing syndrome. Last evaluated: 2018-02-14. Review status: no assertion criteria provided. Collection method: clinical testing. Allele origin: germline. Not counted in ClinVar's aggregate classification.

Clinical Genetics DNA and cytogenetics Diagnostics Lab, Erasmus MC, Erasmus Medical Center
Classification: Likely benign. Review status: no assertion criteria provided. Collection method: clinical testing. Allele origin: germline. Affected: yes. Study: VKGL Data-share Consensus. Not counted in ClinVar's aggregate classification.

Clinical Genetics, Academic Medical Center
Classification: Likely benign. Review status: no assertion criteria provided. Collection method: clinical testing. Allele origin: germline. Affected: yes. Study: VKGL Data-share Consensus. Not counted in ClinVar's aggregate classification.

Department of Pathology and Laboratory Medicine, Sinai Health System
Classification: Likely benign for Carcinoma of colon. Review status: no assertion criteria provided. Collection method: clinical testing. Allele origin: unknown. Affected: yes. Observed: 1 variant allele. Study: The Canadian Open Genetics Repository (COGR). Not counted in ClinVar's aggregate classification.
Comment: The POLD1 p.Arg126= variant was not identified in the literature nor was it identified in the Cosmic database. The variant was identified in dbSNP (ID: rs145324823) as "With other allele" and ClinVar (classified as benign by Invitae and one other clinical laboratory; and as likely benign by GeneDx, Ambry Genetics, and two other clinical laboratories). The variant was identified in control databases in 468 of 276646 chromosomes (2 homozygous) at a frequency of 0.002, increasing the likelihood this could be a low frequency benign variant (Genome Aggregation Database Feb 27, 2017). The variant was observed in the following populations: African in 5 of 23978 chromosomes (freq: 0.0002), Other in 12 of 6456 chromosomes (freq: 0.002), Latino in 69 of 34412 chromosomes (freq: 0.002), European in 252 of 126308 chromosomes (freq: 0.002), Finnish in 128 of 25720 chromosomes (freq: 0.005), and South Asian in 2 of 30782 chromosomes (freq: 0.00007); it was not observed in the Ashkenazi Jewish or East Asian populations. The p.Arg126= variant is not expected to have clinical significance because it does not result in a change of amino acid and is not located in a known consensus splice site. In addition, in silico or computational prediction software programs (SpliceSiteFinder, MaxEntScan, NNSPLICE, GeneSplicer, HumanSpliceFinder) do not predict a difference in splicing. In summary, based on the above information, the clinical significance of this variant cannot be determined with certainty at this time although we would lean towards a more benign role for this variant. This variant is classified as likely benign.

NM_002691.4(POLD1):c.378C>T (p.Arg126=)

Gene: POLD1 (DNA polymerase delta 1, catalytic subunit; plus strand). Cytogenetic location: 19q13.33.
Variant type: single nucleotide variant.
Coding change: c.378C>T on transcript NM_002691.4 (MANE Select); coding-DNA position 378, C replaced by T.
Protein change: p.Arg126=; no amino-acid change (arginine 126 retained).
Molecular consequence: synonymous variant. On other transcripts: non-coding transcript variant (1).
Genome position (GRCh38, 1-based): chr19:50,401,839, C>T. VCF-style: chr19-50401839-C-T. GRCh37 (hg19) VCF-style: chr19-50905096-C-T.
Other names: p.Arg126=; c.378C>T, p.Arg126= (NM_001256849.1, NM_001308632.1).
Identifiers: ClinVar variation 221130 (VCV000221130.75), dbSNP rs145324823, ClinGen allele CA349753.